The following is an entry in ClinVar:

ClinVar aggregate classification (germline): Uncertain significance (1 of 4 stars; one submission).

Submission:

Labcorp Genetics (formerly Invitae), Labcorp
Classification: Uncertain significance. Last evaluated: 2022-11-01. Review status: criteria provided, single submitter. Criteria: Invitae Variant Classification Sherloc (09022015). Collection method: clinical testing. Allele origin: germline.
Comment: In summary, the available evidence is currently insufficient to determine the role of this variant in disease. Therefore, it has been classified as a Variant of Uncertain Significance. Advanced modeling of protein sequence and biophysical properties (such as structural, functional, and spatial information, amino acid conservation, physicochemical variation, residue mobility, and thermodynamic stability) performed at Invitae indicates that this missense variant is expected to disrupt BMP1 protein function. This variant has not been reported in the literature in individuals affected with BMP1-related conditions. This variant is not present in population databases (gnomAD no frequency). This sequence change replaces glycine, which is neutral and non-polar, with glutamic acid, which is acidic and polar, at codon 308 of the BMP1 protein (p.Gly308Glu).

NM_006129.5(BMP1):c.923G>A (p.Gly308Glu)

Gene: BMP1 (bone morphogenetic protein 1; plus strand). Cytogenetic location: 8p21.3.
Variant type: single nucleotide variant.
Coding change: c.923G>A on transcript NM_006129.5 (MANE Select); coding-DNA position 923, G replaced by A.
Protein change: p.Gly308Glu; replaces glycine 308 with glutamic acid.
Molecular consequence: missense variant. On other transcripts: non-coding transcript variant (2).
Genome position (GRCh38, 1-based): chr8:22,179,791, G>A. VCF-style: chr8-22179791-G-A. GRCh37 (hg19) VCF-style: chr8-22037304-G-A.
Other names: c.923G>A, p.Gly308Glu (NM_001199.4); short protein forms G308E.
Identifiers: ClinVar variation 1978307 (VCV001978307.4), dbSNP rs2538984170, ClinGen allele CA370543660.